The following is an entry in ClinVar:

NC_000007.13:g.(?_120478811)_(120480183_?)del

Gene: TSPAN12 (tetraspanin 12; minus strand). Cytogenetic location: 7q31.31.
Variant type: Deletion.
Identifiers: ClinVar variation 1518002 (VCV001518002.7).

ClinVar aggregate classification (germline): Likely pathogenic (1 of 4 stars; one submission).

Submission:

Labcorp Genetics (formerly Invitae), Labcorp
Classification: Likely pathogenic. Last evaluated: 2022-08-16. Review status: criteria provided, single submitter. Criteria: Invitae Variant Classification Sherloc (09022015). Collection method: clinical testing. Allele origin: germline.
Comment: In summary, the currently available evidence indicates that the variant is pathogenic, but additional data are needed to prove that conclusively. Therefore, this variant has been classified as Likely Pathogenic. This variant disrupts the p.Pro65 amino acid residue in TSPAN12. Other variant(s) that disrupt this residue have been determined to be pathogenic (PMID: 26244290, 30452590; Invitae). This suggests that this residue is clinically significant, and that variants that disrupt this residue are likely to be disease-causing. This variant has not been reported in the literature in individuals affected with TSPAN12-related conditions. This variant is a gross deletion of the genomic region encompassing exon(s) 3-4 of the TSPAN12 gene. This variant would be expected to be in-frame, preserving the integrity of the reading frame.

Literature cited by the submitters: PubMed 26244290; PubMed 30452590.